The following is an entry in ClinVar:

NM_001160372.4(TRAPPC9):c.3163G>C (p.Val1055Leu)

Gene: TRAPPC9 (trafficking protein particle complex subunit 9; minus strand). Cytogenetic location: 8q24.3.
Variant type: single nucleotide variant.
Coding change: c.3163G>C on transcript NM_001160372.4 (MANE Select); coding-DNA position 3163, G replaced by C.
Protein change: p.Val1055Leu; replaces valine 1055 with leucine.
Molecular consequence: missense variant. On other transcripts: non-coding transcript variant (1).
Genome position (GRCh38, 1-based): chr8:139,732,095, C>G on the plus strand (G>C on the coding strand, the complement: TRAPPC9 is on the minus strand). VCF-style: chr8-139732095-C-G. GRCh37 (hg19) VCF-style: chr8-140744338-C-G.
Other names: c.3136G>C, p.Val1046Leu (NM_001321646.2); c.3184G>C, p.Val1062Leu (NM_001374682.1); c.3052G>C, p.Val1018Leu (NM_001374683.1); c.3019G>C, p.Val1007Leu (NM_001374684.1); c.3163G>C, p.Val1055Leu (NM_031466.8); short protein forms V1055L, V1046L, V1007L, V1018L, V1062L.
Identifiers: ClinVar variation 1963697 (VCV001963697.5), dbSNP rs35578974, ClinGen allele CA4892788.

ClinVar aggregate classification (germline): Uncertain significance (1 of 4 stars; one submission).

gnomAD v4.1: 7 of 1,606,212 alleles (0.00044%); highest among the groups gnomAD compares: Non-Finnish European, 0.00051%; no homozygotes.

Submission:

Labcorp Genetics (formerly Invitae), Labcorp
Classification: Uncertain significance. Last evaluated: 2022-04-01. Review status: criteria provided, single submitter. Criteria: Invitae Variant Classification Sherloc (09022015). Collection method: clinical testing. Allele origin: germline.
Comment: This sequence change replaces valine, which is neutral and non-polar, with leucine, which is neutral and non-polar, at codon 1153 of the TRAPPC9 protein (p.Val1153Leu). This variant is present in population databases (rs35578974, gnomAD 0.002%). This variant has not been reported in the literature in individuals affected with TRAPPC9-related conditions. Algorithms developed to predict the effect of missense changes on protein structure and function are either unavailable or do not agree on the potential impact of this missense change (SIFT: "Not Available"; PolyPhen-2: "Probably Damaging"; Align-GVGD: "Not Available"). In summary, the available evidence is currently insufficient to determine the role of this variant in disease. Therefore, it has been classified as a Variant of Uncertain Significance.